The following is an entry in ClinVar:

NM_000143.4(FH):c.772G>A (p.Ala258Thr)

Gene: FH (fumarate hydratase; minus strand). Cytogenetic location: 1q43.
Variant type: single nucleotide variant.
Coding change: c.772G>A on transcript NM_000143.4 (MANE Select); coding-DNA position 772, G replaced by A.
Protein change: p.Ala258Thr; replaces alanine 258 with threonine.
Molecular consequence: missense variant.
Genome position (GRCh38, 1-based): chr1:241,506,135, C>T on the plus strand (G>A on the coding strand, the complement: FH is on the minus strand). VCF-style: chr1-241506135-C-T. GRCh37 (hg19) VCF-style: chr1-241669435-C-T.
Other names: short protein forms A258T.
Identifiers: ClinVar variation 1309868 (VCV001309868.10), dbSNP rs751210164, ClinGen allele CA1478607.
Genomic context (GRCh38, chr1:241,506,135, plus strand): 5'-CAGTGCCTCCAGCTGCGAGCTCATAGATTCTTGGCATGGCAGCTTTTATTCTTGTCATTG[C>T]ATATTTTACTTGTTGAACATAACCACTAAATTCCTGAAAAGAAAAGAAAATTAAGGTAAG-3'
Protein context (NP_000134.2, residues 248-268): FSGYVQQVKY[Ala258Thr]MTRIKAAMPR

ClinVar aggregate classification (germline): Conflicting classifications of pathogenicity. Review status: criteria provided, conflicting classifications (1 of 4 stars). 4 submissions from 4 submitters: Uncertain significance (3); Likely benign (1). Last evaluated 2025-12-06.

Conditions:
Hereditary cancer-predisposing syndrome. Also called: Tumor predisposition; Hereditary Cancer Syndrome; Neoplastic Syndromes, Hereditary; Hereditary neoplastic syndrome. Identifiers: Orphanet 140162, MedGen C0027672, MeSH D009386, MONDO:0015356.
Hereditary leiomyomatosis and renal cell cancer. Also called: Multiple cutaneous leiomyomas; FH tumor predisposition syndrome; MULTIPLE CUTANEOUS AND UTERINE LEIOMYOMATA 1, WITH OR WITHOUT RENAL CELL CARCINOMA; Reed syndrome; Multiple cutaneous and uterine leiomyomatosis; Cutaneous leiomyomata with uterine leiomyomata. Identifiers: Orphanet 523, MedGen C1708350, MONDO:0007888, OMIM 150800, HP:0007437. Disease mechanism: loss of function.

Allele frequency attached by ClinVar (database versions not stated): ExAC 0.00002; gnomAD exomes 0.00002.
gnomAD v4.1: 5 of 1,613,806 alleles (0.00031%); highest among the groups gnomAD compares: South Asian, 0.0033%; no homozygotes.

Submissions (4):

Labcorp Genetics (formerly Invitae), Labcorp
Classification: Uncertain significance. Last evaluated: 2025-12-06. Review status: criteria provided, single submitter. Criteria: Invitae Variant Classification Sherloc (09022015). Collection method: clinical testing. Allele origin: germline.
Comment: This sequence change replaces alanine, which is neutral and non-polar, with threonine, which is neutral and polar, at codon 258 of the FH protein (p.Ala258Thr). This variant is present in population databases (rs751210164, gnomAD 0.01%). This variant has not been reported in the literature in individuals affected with FH-related conditions. ClinVar contains an entry for this variant (Variation ID: 1309868). Invitae Evidence Modeling of protein sequence and biophysical properties (such as structural, functional, and spatial information, amino acid conservation, physicochemical variation, residue mobility, and thermodynamic stability) has been performed for this missense variant. However, the output from this modeling did not meet the statistical confidence thresholds required to predict the impact of this variant on FH protein function. In summary, the available evidence is currently insufficient to determine the role of this variant in disease. Therefore, it has been classified as a Variant of Uncertain Significance.

Ambry Genetics
Classification: Uncertain significance for Hereditary cancer-predisposing syndrome. Last evaluated: 2024-12-02. Review status: criteria provided, single submitter. Criteria: Ambry Variant Classification Scheme 2023. Collection method: clinical testing. Allele origin: germline.
Comment: The p.A258T variant (also known as c.772G>A), located in coding exon 6 of the FH gene, results from a G to A substitution at nucleotide position 772. The alanine at codon 258 is replaced by threonine, an amino acid with similar properties. This amino acid position is not well conserved in available vertebrate species. In addition, the in silico prediction for this alteration is inconclusive. Based on the available evidence, the clinical significance of this variant remains unclear.

Myriad Genetics, Inc.
Classification: Likely benign for Hereditary leiomyomatosis and renal cell cancer. Last evaluated: 2024-08-26. Review status: criteria provided, single submitter. Criteria: Myriad Autosomal Dominant, Autosomal Recessive and X-Linked Classification Criteria (2023). Collection method: clinical testing. Allele origin: unknown.
Comment: This variant is considered likely benign. This variant has been observed at a population frequency that is significantly greater than expected given the associated disease prevalence and penetrance.

GeneDx
Classification: Uncertain significance. Last evaluated: 2019-10-24. Review status: criteria provided, single submitter. Criteria: GeneDx Variant Classification Process June 2021. Collection method: clinical testing. Allele origin: germline. Affected: yes.
Comment: In silico analysis, which includes protein predictors and evolutionary conservation, supports that this variant does not alter protein structure/function; Has not been previously published as pathogenic or benign to our knowledge